The following is an entry in ClinVar:

ClinVar aggregate classification (germline): Uncertain significance (1 of 4 stars; one submission).

Conditions:
3-methylglutaconic aciduria, type VIIB (MGCA7B). Also called: 3-methylglutaconic aciduria with cataracts, neurologic involvement and neutropenia; 3-methylglutaconic aciduria, type VII, with cataracts, neurologic involvement and neutropenia; CLPB Deficiency. Identifiers: Orphanet 445038, MedGen C5676893, MONDO:0014561, OMIM 616271.

Submission:

Labcorp Genetics (formerly Invitae), Labcorp
Classification: Uncertain significance for 3-methylglutaconic aciduria, type VIIB. Last evaluated: 2023-07-05. Review status: criteria provided, single submitter. Criteria: Invitae Variant Classification Sherloc (09022015). Collection method: clinical testing. Allele origin: germline.
Comment: Algorithms developed to predict the effect of missense changes on protein structure and function output the following: SIFT: "Not Available"; PolyPhen-2: "Benign"; Align-GVGD: "Not Available". The glycine amino acid residue is found in multiple mammalian species, which suggests that this missense change does not adversely affect protein function. In summary, the available evidence is currently insufficient to determine the role of this variant in disease. Therefore, it has been classified as a Variant of Uncertain Significance. This variant has not been reported in the literature in individuals affected with CLPB-related conditions. This variant is not present in population databases (gnomAD no frequency). This sequence change replaces arginine, which is basic and polar, with glycine, which is neutral and non-polar, at codon 77 of the CLPB protein (p.Arg77Gly).

NM_001258392.3(CLPB):c.229C>G (p.Arg77Gly)

Genes: CLPB (ClpB family mitochondrial disaggregase; minus strand), LOC130006336 (ATAC-STARR-seq lymphoblastoid active region 5191; plus strand). Cytogenetic location: 11q13.4.
Variant type: single nucleotide variant.
Coding change: c.229C>G on transcript NM_001258392.3 (MANE Select); coding-DNA position 229, C replaced by G.
Protein change: p.Arg77Gly; replaces arginine 77 with glycine.
Molecular consequence: missense variant. On other transcripts: 5 prime UTR variant (1).
Genome position (GRCh38, 1-based): chr11:72,434,246, G>C on the plus strand (C>G on the coding strand, the complement: CLPB is on the minus strand). VCF-style: chr11-72434246-G-C. GRCh37 (hg19) VCF-style: chr11-72145290-G-C.
Other names: c.229C>G, p.Arg77Gly (NM_001258393.3, NM_030813.6); c.-14C>G (NM_001258394.3); short protein forms R77G.
Identifiers: ClinVar variation 3003580 (VCV003003580.3), dbSNP rs567785578, ClinGen allele CA381963266.